The following is an entry in ClinVar:

ClinVar aggregate classification (germline): Uncertain significance (1 of 4 stars; one submission).

Conditions:
Familial hypocalciuric hypercalcemia (FHH). Also called: Familial benign hypercalcemia. Identifiers: Orphanet 405, MedGen C1809471, MONDO:0018458.
Autosomal dominant hypocalcemia 1 (HYPOC1). Also called: HYPOCALCEMIA, FAMILIAL. Identifiers: MedGen C3715128, MONDO:0011013, OMIM 601198.

Submission:

Labcorp Genetics (formerly Invitae), Labcorp
Classification: Uncertain significance for Familial hypocalciuric hypercalcemia; Autosomal dominant hypocalcemia 1. Last evaluated: 2021-02-04. Review status: criteria provided, single submitter. Criteria: Invitae Variant Classification Sherloc (09022015). Collection method: clinical testing. Allele origin: germline.
Comment: This variant is not present in population databases (ExAC no frequency). This variant, c.986_994del, results in the deletion of 3 amino acid(s) of the CASR protein (p.Gly329_Arg331del), but otherwise preserves the integrity of the reading frame. This variant has not been reported in the literature in individuals with CASR-related conditions. In summary, the available evidence is currently insufficient to determine the role of this variant in disease. Therefore, it has been classified as a Variant of Uncertain Significance. Experimental studies and prediction algorithms are not available or were not evaluated, and the functional significance of this variant is currently unknown.

NM_000388.4(CASR):c.986_994del (p.Gly329_Arg331del)

Gene: CASR (calcium sensing receptor; plus strand). Cytogenetic location: 3q21.1.
Variant type: Deletion.
Coding change: c.986_994del on transcript NM_000388.4 (MANE Select); coding-DNA positions 986 to 994, 9 bases deleted (GCTTCCGGG; older notation c.986_994delGCTTCCGGG).
Protein change: p.Gly329_Arg331del.
Molecular consequence: inframe deletion.
Genome position (GRCh38, 1-based): chr3:122,262,021-122,262,029, GCTTCCGGG deleted; deleting any 9 consecutive bases within chr3:122,262,020-122,262,029 gives the same sequence; the c. name uses the placement nearest the transcript's 3' end. VCF-style (leftmost placement, unchanged base first): chr3-122262019-AGGCTTCCGG-A. GRCh37 (hg19) VCF-style: chr3-121980866-AGGCTTCCGG-A.
Other names: c.986_994del, p.Gly329_Arg331del (NM_001178065.2).
Identifiers: ClinVar variation 1363201 (VCV001363201.8), dbSNP rs2107632671, ClinGen allele CA2573136449.